The following is an entry in ClinVar:

ClinVar aggregate classification (germline): Uncertain significance (1 of 4 stars; one submission).

Conditions:
Primary ciliary dyskinesia. Also called: Ciliary dyskinesia. Identifiers: Orphanet 244, MedGen C0008780, MONDO:0016575, HP:0012265.

Allele frequency attached by ClinVar (database versions not stated): gnomAD exomes below 0.00001 and 0.00001; gnomAD 0.00001; TOPMed 0.00001; ExAC 0.00004; ESP Exome Variant Server 0.00008.
gnomAD v4.1: 6 of 1,554,356 alleles (0.00039%); highest among the groups gnomAD compares: Non-Finnish European, 0.00052%; no homozygotes.

Submission:

Labcorp Genetics (formerly Invitae), Labcorp
Classification: Uncertain significance for Primary ciliary dyskinesia. Last evaluated: 2019-03-12. Review status: criteria provided, single submitter. Criteria: Invitae Variant Classification Sherloc (09022015). Collection method: clinical testing. Allele origin: germline.
Comment: This sequence change replaces threonine with alanine at codon 80 of the CCDC39 protein (p.Thr80Ala). The threonine residue is weakly conserved and there is a small physicochemical difference between threonine and alanine. This variant is present in population databases (rs368066081, ExAC 0.009%). This variant has not been reported in the literature in individuals with CCDC39-related conditions. Algorithms developed to predict the effect of missense changes on protein structure and function (SIFT, PolyPhen-2, Align-GVGD) all suggest that this variant is likely to be tolerated, but these predictions have not been confirmed by published functional studies and their clinical significance is uncertain. In summary, the available evidence is currently insufficient to determine the role of this variant in disease. Therefore, it has been classified as a Variant of Uncertain Significance.

NM_181426.2(CCDC39):c.238A>G (p.Thr80Ala)

Gene: CCDC39 (coiled-coil domain 39 molecular ruler complex subunit; minus strand). Cytogenetic location: 3q26.33.
Variant type: single nucleotide variant.
Coding change: c.238A>G on transcript NM_181426.2 (MANE Select); coding-DNA position 238, A replaced by G.
Protein change: p.Thr80Ala; replaces threonine 80 with alanine.
Molecular consequence: missense variant.
Genome position (GRCh38, 1-based): chr3:180,661,980, T>C on the plus strand (A>G on the coding strand, the complement: CCDC39 is on the minus strand). VCF-style: chr3-180661980-T-C. GRCh37 (hg19) VCF-style: chr3-180379768-T-C.
Other names: short protein forms T80A.
Identifiers: ClinVar variation 855694 (VCV000855694.1), dbSNP rs368066081, ClinGen allele CA2716215.